The following is an entry in ClinVar:

NM_001365925.2(NLGN1):c.554-7382C>T

Gene: NLGN1 (neuroligin 1; plus strand). Cytogenetic location: 3q26.31.
Variant type: single nucleotide variant.
Coding change: c.554-7382C>T on transcript NM_001365925.2 (MANE Select); 7382 bases into the intron before coding-DNA position 554, C replaced by T.
Molecular consequence: intron variant. On other transcripts: missense variant (2).
Genome position (GRCh38, 1-based): chr3:173,800,298, C>T. VCF-style: chr3-173800298-C-T. GRCh37 (hg19) VCF-style: chr3-173518088-C-T.
Other names: c.499C>T, p.Leu167Phe (NM_001365923.2, NM_001365927.2); c.554-7382C>T (NM_001365924.2, NM_001365926.2, NM_001365928.2); c.494-7382C>T (NM_001365930.2, NM_001365936.2, NM_001365929.2 and 6 more transcripts); short protein forms L167F.
Identifiers: ClinVar variation 3037839 (VCV003037839.4), dbSNP rs77343837, ClinGen allele CA2708567.

ClinVar aggregate classification (germline): Likely benign. Review status: criteria provided, single submitter (1 of 4 stars). 2 submissions from 2 submitters: Likely benign (1). 1 of the submissions does not count toward it. Last evaluated 2026-06-01.

Conditions:
NLGN1-related disorder. Also called: NLGN1-related condition.

Allele frequency attached by ClinVar (database versions not stated): ExAC 0.00155; 1000 Genomes Project 30x 0.00234; 1000 Genomes Project 0.00260; gnomAD 0.00402; TOPMed 0.00446.
gnomAD v4.1: 5,758 of 1,191,540 alleles (0.48%); highest among the groups gnomAD compares: Non-Finnish European, 0.56%; 19 homozygotes.

Submissions (2):

CeGaT Center for Human Genetics Tuebingen
Classification: Likely benign. Last evaluated: 2026-06-01. Review status: criteria provided, single submitter. Criteria: CeGaT Center For Human Genetics Tuebingen Variant Classification Criteria Version 2. Collection method: clinical testing. Allele origin: germline. Affected: yes. Observed: 1 variant allele.
Comment: NLGN1: BP4, BS2

PreventionGenetics, part of Exact Sciences
Classification: Likely benign for NLGN1-related condition. Last evaluated: 2022-01-04. Review status: no assertion criteria provided. Collection method: clinical testing. Allele origin: germline. Not counted in ClinVar's aggregate classification.
Comment: This variant is classified as likely benign based on ACMG/AMP sequence variant interpretation guidelines (Richards et al. 2015 PMID: 25741868, with internal and published modifications).